The following is an entry in ClinVar:

NM_001267550.2(TTN):c.106828A>T (p.Lys35610Ter)

Genes: TTN (titin; minus strand), TTN-AS1 (TTN antisense RNA 1; plus strand). Cytogenetic location: 2q31.2.
Variant type: single nucleotide variant.
Coding change: c.106828A>T on transcript NM_001267550.2 (MANE Select); coding-DNA position 106828, A replaced by T.
Protein change: p.Lys35610Ter; replaces lysine 35610 with a stop codon.
Molecular consequence: nonsense.
Genome position (GRCh38, 1-based): chr2:178,528,923, T>A on the plus strand (A>T on the coding strand, the complement: TTN is on the minus strand). VCF-style: chr2-178528923-T-A. GRCh37 (hg19) VCF-style: chr2-179393650-T-A.
Other names: c.101905A>T, p.Lys33969Ter (NM_001256850.1); c.79633A>T, p.Lys26545Ter (NM_003319.4); c.99124A>T, p.Lys33042Ter (NM_133378.4); c.80008A>T, p.Lys26670Ter (NM_133432.3); c.80209A>T, p.Lys26737Ter (NM_133437.4); short protein forms K26545*, K26670*, K26737*, K35610*, K33042*, K33969*.
Identifiers: ClinVar variation 1490892 (VCV001490892.6), dbSNP rs753984036, ClinGen allele CA349402945.
Genomic context (GRCh38, chr2:178,528,923, plus strand): 5'-TGTTGGCTTTTAAAACCAGTCTTTGACCTTCGTTTATGCTCATCTGAGTAGAAAATGCTT[T>A]AATCTCAGCATGAGTTCTGACTTCTTCTGATGCCTGTGATGTTTTAGTGATTTCCTCATG-3'

ClinVar aggregate classification (germline): Likely pathogenic (1 of 4 stars; one submission).

Conditions:
Dilated cardiomyopathy 1G (CMD1G). Identifiers: Orphanet 154, MedGen C1858763, MONDO:0011400, OMIM 604145.
Autosomal recessive limb-girdle muscular dystrophy type 2J (LGMDR10). Also called: Limb-girdle muscular dystrophy, type 2J; MUSCULAR DYSTROPHY, LIMB-GIRDLE, AUTOSOMAL RECESSIVE 10. Identifiers: Orphanet 140922, MedGen C1837342, MONDO:0012127, OMIM 608807.

Submission:

Labcorp Genetics (formerly Invitae), Labcorp
Classification: Likely pathogenic for Dilated cardiomyopathy 1G; Autosomal recessive limb-girdle muscular dystrophy type 2J. Last evaluated: 2021-10-09. Review status: criteria provided, single submitter. Criteria: Invitae Variant Classification Sherloc (09022015). Collection method: clinical testing. Allele origin: germline.
Comment: This variant is not present in population databases (ExAC no frequency). This variant has not been reported in the literature in individuals affected with TTN-related conditions. This variant is located in the M band of TTN (PMID: 25589632). Truncating variants in this region have been previously reported in individuals affected with autosomal recessive myopathy and muscular dystrophy (PMID: 18948003, 23975875, 24395473), but have not been definitively shown to cause cardiomyopathy (PMID: 25589632). In summary, the currently available evidence indicates that the variant is pathogenic, but additional data are needed to prove that conclusively. Therefore, this variant has been classified as Likely Pathogenic. This sequence change creates a premature translational stop signal (p.Lys35610*) in the TTN gene. While this is not anticipated to result in nonsense mediated decay, it is expected to create a truncated TTN protein.

Literature cited by the submitters: PubMed 25589632; PubMed 18948003; PubMed 23975875; PubMed 24395473.